The following is an entry in ClinVar:

NM_003072.5(SMARCA4):c.4856G>A (p.Gly1619Glu)

Gene: SMARCA4 (SWI/SNF related BAF chromatin remodeling complex subunit ATPase 4; plus strand). Cytogenetic location: 19p13.2.
Variant type: single nucleotide variant.
Coding change: c.4856G>A on transcript NM_003072.5 (MANE Select); coding-DNA position 4856, G replaced by A.
Protein change: p.Gly1619Glu; replaces glycine 1619 with glutamic acid.
Molecular consequence: missense variant. On other transcripts: non-coding transcript variant (1).
Genome position (GRCh38, 1-based): chr19:11,060,132, G>A. VCF-style: chr19-11060132-G-A. GRCh37 (hg19) VCF-style: chr19-11170808-G-A.
Other names: c.4853G>A, p.Gly1618Glu (NM_001411150.1); c.4856G>A, p.Gly1619Glu (NM_001128844.3); c.4766G>A, p.Gly1589Glu (NM_001128845.2); c.4763G>A, p.Gly1588Glu (NM_001128846.2); c.4757G>A, p.Gly1586Glu (NM_001128847.4, NM_001374457.1); c.4754G>A, p.Gly1585Glu (NM_001128848.2); c.4952G>A, p.Gly1651Glu (NM_001128849.3, NM_001387283.1); short protein forms G1619E, G1586E, G1588E, G1589E, G1618E, G1651E, G1585E.
Identifiers: ClinVar variation 1744340 (VCV001744340.4), dbSNP rs2515821473, ClinGen allele CA404080746.

ClinVar aggregate classification (germline): Uncertain significance (1 of 4 stars; one submission).

Conditions:
Hereditary cancer-predisposing syndrome. Also called: Hereditary Cancer Syndrome; Neoplastic Syndromes, Hereditary; Tumor predisposition; Hereditary neoplastic syndrome. Identifiers: Orphanet 140162, MedGen C0027672, MeSH D009386, MONDO:0015356.

gnomAD v4.1: 1 of 1,551,198 alleles (0.000064%); no homozygotes.

Submission:

Ambry Genetics
Classification: Uncertain significance for Hereditary cancer-predisposing syndrome. Last evaluated: 2025-03-24. Review status: criteria provided, single submitter. Criteria: Ambry Variant Classification Scheme 2023. Collection method: clinical testing. Allele origin: germline.
Comment: The p.G1651E variant (also known as c.4952G>A), located in coding exon 34 of the SMARCA4 gene, results from a G to A substitution at nucleotide position 4952. The glycine at codon 1651 is replaced by glutamic acid, an amino acid with similar properties. This amino acid position is highly conserved in available vertebrate species. In addition, the in silico prediction for this alteration is inconclusive. Missense and in-frame variants in SMARCA4 are known to cause neurodevelopmental disorders; however, such associations with rhabdoid tumor predisposition syndrome including small cell carcinoma of the ovary-hypercalcemic type (SCCOHT) are exceedingly rare (Kosho T et al. Am J Med Genet C Semin Med Genet. 2014 Sep;166C(3):262-75; Jelinic P et al. Nat Genet. 2014 May;46(5):424-6). Based on the supporting evidence, the association of this alteration with Coffin-Siris syndrome is unknown; however, the association of this alteration with rhabdoid tumor predisposition syndrome is unlikely.